The following is an entry in ClinVar:

ClinVar aggregate classification (germline): Likely pathogenic (1 of 4 stars; one submission).

Conditions:
Autism spectrum disorder - epilepsy - arthrogryposis syndrome (AMRS). Identifiers: Orphanet 370943, MedGen C3809910, MONDO:0014248, OMIM 615553.

Submission:

Natera, Inc.
Classification: Likely pathogenic for Arthrogryposis, mental retardation, and seizures. Last evaluated: 2024-08-01. Review status: criteria provided, single submitter. Criteria: Natera Variant Classification Schema (03/2026). Collection method: clinical testing. Allele origin: germline.
Comment: The c.634+1G>T variant in SLC35A3 is a canonical splice donor site variant predicted to affect pre-mRNA splicing, which may result in an abnormal transcript and altered protein product. This variant is expected to result in nonsense mediated decay, truncation, or a dysfunctional protein product. This variant is rare in the general population with a frequency below the threshold expected for the associated phenotype(s). Given the available evidence, this variant is classified as Likely Pathogenic.

NM_012243.3(SLC35A3):c.634+1G>T

Gene: SLC35A3 (solute carrier family 35 member A3; plus strand). Cytogenetic location: 1p21.2.
Variant type: single nucleotide variant.
Coding change: c.634+1G>T on transcript NM_012243.3 (MANE Select); the canonical splice donor site of the intron after coding-DNA position 634, G replaced by T.
Molecular consequence: splice donor variant.
Genome position (GRCh38, 1-based): chr1:100,011,534, G>T. VCF-style: chr1-100011534-G-T. GRCh37 (hg19) VCF-style: chr1-100477090-G-T.
Other names: c.634+1G>T (NM_001438725.1, NM_001438728.1, NM_001271684.2); c.511+1G>T (NM_001437717.1, NM_001437713.1, NM_001438729.1); c.760+1G>T (NM_001271685.2).
Identifiers: ClinVar variation 4815562 (VCV004815562.1).